The following is an entry in ClinVar:

ClinVar aggregate classification (germline): Likely benign (1 of 4 stars; one submission).

Conditions:
KMT2D-related disorder. Also called: KMT2D-Related Disorders.

Submission:

PreventionGenetics, part of Exact Sciences
Classification: Likely benign for KMT2D-related condition. Last evaluated: 2024-11-04. Review status: criteria provided, single submitter. Criteria: ACMG Guidelines, 2015. Collection method: clinical testing. Allele origin: germline.
Comment: This variant is classified as likely benign based on ACMG/AMP sequence variant interpretation guidelines (Richards et al. 2015 PMID: 25741868, with internal and published modifications).

NM_003482.4(KMT2D):c.12738T>C (p.Pro4246=)

Gene: KMT2D (lysine methyltransferase 2D; minus strand). Cytogenetic location: 12q13.12.
Variant type: single nucleotide variant.
Coding change: c.12738T>C on transcript NM_003482.4 (MANE Select); coding-DNA position 12738, T replaced by C.
Protein change: p.Pro4246=; no amino-acid change (proline 4246 retained).
Molecular consequence: synonymous variant.
Genome position (GRCh38, 1-based): chr12:49,031,967, A>G on the plus strand (T>C on the coding strand, the complement: KMT2D is on the minus strand). VCF-style: chr12-49031967-A-G. GRCh37 (hg19) VCF-style: chr12-49425750-A-G.
Identifiers: ClinVar variation 5000306 (VCV005000306.1).
Genomic context (GRCh38, chr12:49,031,967, plus strand): 5'-GAAGCCCCCAAGTTGAGGTTGGCAGCCCAGGAGGCCCTGGAGGGGAGAGGTCTGGGTCCC[A>G]GGCTCCTGGTAGGGTGGGGTCTGGCGTACTGCCTGACTCTGCTGCAGCTGCCGCTGCATG-3'
Protein context (NP_003473.3, residues 4236-4256): AVRQTPPYQE[Pro4246=]GTQTSPLQGL